The following is an entry in ClinVar:

ClinVar aggregate classification (germline): Uncertain significance (1 of 4 stars; one submission).

Submission:

Ambry Genetics
Classification: Uncertain significance. Last evaluated: 2023-10-23. Review status: criteria provided, single submitter. Criteria: Ambry Variant Classification Scheme 2023. Collection method: clinical testing. Allele origin: germline.
Comment: The p.V1018A variant (also known as c.3053T>C), located in coding exon 16 of the NPAT gene, results from a T to C substitution at nucleotide position 3053. The valine at codon 1018 is replaced by alanine, an amino acid with similar properties. This amino acid position is conserved. In addition, this alteration is predicted to be tolerated by in silico analysis. Since supporting evidence is limited at this time, the clinical significance of this alteration remains unclear.

NM_002519.3(NPAT):c.3053T>C (p.Val1018Ala)

Gene: NPAT (nuclear protein, coactivator of histone transcription; minus strand). Cytogenetic location: 11q22.3.
Variant type: single nucleotide variant.
Coding change: c.3053T>C on transcript NM_002519.3 (MANE Select); coding-DNA position 3053, T replaced by C.
Protein change: p.Val1018Ala; replaces valine 1018 with alanine.
Molecular consequence: missense variant.
Genome position (GRCh38, 1-based): chr11:108,162,138, A>G on the plus strand (T>C on the coding strand, the complement: NPAT is on the minus strand). VCF-style: chr11-108162138-A-G. GRCh37 (hg19) VCF-style: chr11-108032865-A-G.
Other names: c.3053T>C, p.Val1018Ala (NM_001321307.1); short protein forms V1018A.
Identifiers: ClinVar variation 3222570 (VCV003222570.1), dbSNP rs2496697846, ClinGen allele CA382511640.